The following is an entry in ClinVar:

ClinVar aggregate classification (germline): Uncertain significance. Review status: criteria provided, multiple submitters, no conflicts (2 of 4 stars). 4 submissions from 4 submitters: Uncertain significance (4). Last evaluated 2025-07-18.

Conditions:
Inborn genetic diseases. Identifiers: MedGen C0950123, MeSH D030342.
Atypical hemolytic-uremic syndrome with C3 anomaly. Also called: AHUS, SUSCEPTIBILITY TO, 5. Identifiers: Orphanet 2134, MedGen C2752037, MONDO:0013043, OMIM 612925.
Complement component 3 deficiency. Identifiers: Orphanet 280133, MedGen C3151071, MONDO:0013417, OMIM 613779.
Age related macular degeneration 9. Identifiers: MedGen C1969651, MONDO:0012659, OMIM 611378.

Allele frequency attached by ClinVar (database versions not stated): TOPMed below 0.00001; gnomAD exomes 0.00001.
gnomAD v4.1: 9 of 1,614,148 alleles (0.00056%); highest among the groups gnomAD compares: Non-Finnish European, 0.00076%; no homozygotes.

Submissions (4):

Mayo Clinic Laboratories, Mayo Clinic
Classification: Uncertain significance. Last evaluated: 2025-07-18. Review status: criteria provided, single submitter. Criteria: ACMG Guidelines, 2015. Collection method: clinical testing. Allele origin: germline. Observed: 1 variant allele.
Comment: BP4_moderate, PM2_supporting

Ambry Genetics
Classification: Uncertain significance for Inborn genetic diseases. Last evaluated: 2024-09-11. Review status: criteria provided, single submitter. Criteria: Ambry Variant Classification Scheme 2023. Collection method: clinical testing. Allele origin: germline.

Fulgent Genetics
Classification: Uncertain significance for Age related macular degeneration 9; Atypical hemolytic-uremic syndrome with C3 anomaly; Complement component 3 deficiency. Last evaluated: 2024-04-23. Review status: criteria provided, single submitter. Criteria: ACMG Guidelines, 2015. Collection method: clinical testing. Allele origin: germline.

Labcorp Genetics (formerly Invitae), Labcorp
Classification: Uncertain significance. Last evaluated: 2023-12-07. Review status: criteria provided, single submitter. Criteria: Invitae Variant Classification Sherloc (09022015). Collection method: clinical testing. Allele origin: germline.
Comment: This sequence change replaces lysine, which is basic and polar, with glutamic acid, which is acidic and polar, at codon 1615 of the C3 protein (p.Lys1615Glu). This variant is not present in population databases (gnomAD no frequency). This variant has not been reported in the literature in individuals affected with C3-related conditions. ClinVar contains an entry for this variant (Variation ID: 1919570). Advanced modeling of protein sequence and biophysical properties (such as structural, functional, and spatial information, amino acid conservation, physicochemical variation, residue mobility, and thermodynamic stability) performed at Invitae indicates that this missense variant is not expected to disrupt C3 protein function with a negative predictive value of 80%. In summary, the available evidence is currently insufficient to determine the role of this variant in disease. Therefore, it has been classified as a Variant of Uncertain Significance.

NM_000064.4(C3):c.4843A>G (p.Lys1615Glu)

Gene: C3 (complement C3; minus strand). Cytogenetic location: 19p13.3.
Variant type: single nucleotide variant.
Coding change: c.4843A>G on transcript NM_000064.4 (MANE Select); coding-DNA position 4843, A replaced by G.
Protein change: p.Lys1615Glu; replaces lysine 1615 with glutamic acid.
Molecular consequence: missense variant.
Genome position (GRCh38, 1-based): chr19:6,678,159, T>C on the plus strand (A>G on the coding strand, the complement: C3 is on the minus strand). VCF-style: chr19-6678159-T-C. GRCh37 (hg19) VCF-style: chr19-6678170-T-C.
Other names: p.Lys1615Glu; short protein forms K1615E.
Identifiers: ClinVar variation 1919570 (VCV001919570.8), dbSNP rs1917765820, ClinGen allele CA403610856.